The following is an entry in ClinVar:

NM_000276.4(OCRL):c.1208A>C (p.Asn403Thr)

Gene: OCRL (OCRL inositol polyphosphate-5-phosphatase; plus strand). Cytogenetic location: Xq26.1.
Variant type: single nucleotide variant.
Coding change: c.1208A>C on transcript NM_000276.4 (MANE Select); coding-DNA position 1208, A replaced by C.
Protein change: p.Asn403Thr; replaces asparagine 403 with threonine.
Molecular consequence: missense variant.
Genome position (GRCh38, 1-based): chrX:129,562,750, A>C. VCF-style: chrX-129562750-A-C. GRCh37 (hg19) VCF-style: chrX-128696727-A-C.
Other names: c.1211A>C, p.Asn404Thr (NM_001318784.2); c.1208A>C, p.Asn403Thr (NM_001587.4); short protein forms N403T, N404T.
Identifiers: ClinVar variation 451617 (VCV000451617.4), dbSNP rs1556346569, ClinGen allele CA414553066.
Genomic context (GRCh38, chrX:129,562,750, plus strand): 5'-TTGAGAGAAGGAATCAAGATTATAAGGACATTTGTGCGAGAATGAGTTTTGTGGTCCCAA[A>C]TCAGACCCTCCCGCAGTTGAACATCATGAAACATGAGTAAGTGGTTAACTCACCTGTAGC-3'
Protein context (NP_000267.2, residues 393-413): ICARMSFVVP[Asn403Thr]QTLPQLNIMK

ClinVar aggregate classification (germline): Uncertain significance (1 of 4 stars; one submission).

Submission:

GeneDx
Classification: Uncertain significance. Last evaluated: 2019-05-09. Review status: criteria provided, single submitter. Criteria: GeneDx Variant Classification Process June 2021. Collection method: clinical testing. Allele origin: germline. Affected: yes.
Comment: Not observed in large population cohorts (Lek et al., 2016); In silico analysis, which includes protein predictors and evolutionary conservation, supports that this variant does not alter protein structure/function